The following is an entry in ClinVar:

NM_000551.4(VHL):c.282G>C (p.Glu94Asp)

Gene: VHL (von Hippel-Lindau tumor suppressor; plus strand). Cytogenetic location: 3p25.3.
Variant type: single nucleotide variant.
Coding change: c.282G>C on transcript NM_000551.4 (MANE Select); coding-DNA position 282, G replaced by C.
Protein change: p.Glu94Asp; replaces glutamic acid 94 with aspartic acid.
Molecular consequence: missense variant. On other transcripts: non-coding transcript variant (1).
Genome position (GRCh38, 1-based): chr3:10,142,129, G>C. VCF-style: chr3-10142129-G-C. GRCh37 (hg19) VCF-style: chr3-10183813-G-C.
Other names: c.282G>C, p.Glu94Asp (NM_001354723.2, NM_198156.3); short protein forms E94D.
Identifiers: ClinVar variation 3753897 (VCV003753897.2).

ClinVar aggregate classification (germline): Uncertain significance (1 of 4 stars; one submission).

Conditions:
Chuvash polycythemia. Also called: POLYCYTHEMIA, VHL-DEPENDENT. Identifiers: Orphanet 238557, MedGen C1837915, MONDO:0009892, OMIM 263400.
Von Hippel-Lindau syndrome (VHLS). Also called: VHL syndrome; von Hippel–Lindau syndrome; Von Hippel-Lindau. Identifiers: Orphanet 892, MedGen C0019562, MONDO:0008667, OMIM 193300. Disease mechanism: loss of function.

Submission:

Labcorp Genetics (formerly Invitae), Labcorp
Classification: Uncertain significance for Von Hippel-Lindau syndrome; Chuvash polycythemia. Last evaluated: 2024-10-03. Review status: criteria provided, single submitter. Criteria: Invitae Variant Classification Sherloc (09022015). Collection method: clinical testing. Allele origin: germline.
Comment: This sequence change replaces glutamic acid, which is acidic and polar, with aspartic acid, which is acidic and polar, at codon 94 of the VHL protein (p.Glu94Asp). This variant is not present in population databases (gnomAD no frequency). This variant has not been reported in the literature in individuals affected with VHL-related conditions. Invitae Evidence Modeling of protein sequence and biophysical properties (such as structural, functional, and spatial information, amino acid conservation, physicochemical variation, residue mobility, and thermodynamic stability) has been performed for this missense variant. However, the output from this modeling did not meet the statistical confidence thresholds required to predict the impact of this variant on VHL protein function. In summary, the available evidence is currently insufficient to determine the role of this variant in disease. Therefore, it has been classified as a Variant of Uncertain Significance.